The following is an entry in ClinVar:

ClinVar aggregate classification (germline): Likely benign. Review status: criteria provided, multiple submitters, no conflicts (2 of 4 stars). 2 submissions from 2 submitters: Likely benign (2). Last evaluated 2026-07-05.

Conditions:
STXBP2-related disorder. Also called: STXBP2-related condition.
Familial hemophagocytic lymphohistiocytosis 5. Also called: STXBP2-Related Familial Hemophagocytic Lymphohistiocytosis (STXBP2-fHLH). Identifiers: Orphanet 540, MedGen C2751293, MONDO:0013135, OMIM 613101.

Allele frequency attached by ClinVar (database versions not stated): ExAC 0.00001; gnomAD exomes 0.00001.
gnomAD v4.1: 14 of 1,613,442 alleles (0.00087%); highest among the groups gnomAD compares: African/African-American, 0.0013%; no homozygotes.

Submissions (2):

PreventionGenetics, part of Exact Sciences
Classification: Likely benign for STXBP2-related condition. Last evaluated: 2026-07-05. Review status: criteria provided, single submitter. Criteria: ACMG Guidelines, 2015. Collection method: clinical testing. Allele origin: germline.
Comment: This variant is classified as likely benign based on ACMG/AMP sequence variant interpretation guidelines (Richards et al. 2015 PMID: 25741868, with internal and published modifications).

Labcorp Genetics (formerly Invitae), Labcorp
Classification: Likely benign for Familial hemophagocytic lymphohistiocytosis 5. Last evaluated: 2025-12-08. Review status: criteria provided, single submitter. Criteria: Invitae Variant Classification Sherloc (09022015). Collection method: clinical testing. Allele origin: germline.

NM_006949.4(STXBP2):c.429+10G>A

Gene: STXBP2 (syntaxin binding protein 2; plus strand). Cytogenetic location: 19p13.2.
Variant type: single nucleotide variant.
Coding change: c.429+10G>A on transcript NM_006949.4 (MANE Select); 10 bases into the intron after coding-DNA position 429, G replaced by A.
Molecular consequence: intron variant.
Genome position (GRCh38, 1-based): chr19:7,641,013, G>A. VCF-style: chr19-7641013-G-A. GRCh37 (hg19) VCF-style: chr19-7705899-G-A.
Other names: c.429+10G>A (NM_006949.3); c.462+10G>A (NM_001272034.2); c.420+10G>A (NM_001127396.3).
Identifiers: ClinVar variation 1592357 (VCV001592357.9), dbSNP rs771645875, ClinGen allele CA9143626.